The following is an entry in ClinVar:

ClinVar aggregate classification (germline): Likely pathogenic (1 of 4 stars; one submission).

Conditions:
Neurofibromatosis, type 1 (NF1). Also called: Peripheral type neurofibromatosis; VON RECKLINGHAUSEN DISEASE; NEUROFIBROMATOSIS, TYPE I, SOMATIC; Neurofibromatosis, type I. Identifiers: Orphanet 636, MedGen C0027831, MONDO:0018975, OMIM 162200. Disease mechanism: loss of function.

Submission:

Labcorp Genetics (formerly Invitae), Labcorp
Classification: Likely pathogenic for Neurofibromatosis, type 1. Last evaluated: 2022-02-20. Review status: criteria provided, single submitter. Criteria: Invitae Variant Classification Sherloc (09022015). Collection method: clinical testing. Allele origin: germline.
Comment: This variant results in a copy number gain of the genomic region encompassing exon(s) 6-8 of the NF1 gene. While the exact position of this variant cannot be determined from the data, sub-genic copy number gains are generally in tandem (PMID: 25640679). This variant is predicted to be out-of-frame, and may result in an absent or disrupted protein product. Loss-of-function variants in NF1 are known to be pathogenic (PMID: 10712197, 23913538). This variant has not been reported in the literature in individuals affected with NF1-related conditions. In summary, the currently available evidence indicates that the variant is pathogenic, but additional data are needed to prove that conclusively. Therefore, this variant has been classified as Likely Pathogenic.

Literature cited by the submitters: PubMed 25640679; PubMed 10712197; PubMed 23913538.

NC_000017.10:g.(?_29508426)_(29510472_?)dup

Gene: NF1 (neurofibromin 1; plus strand). Cytogenetic location: 17q11.2.
Variant type: Duplication.
Identifiers: ClinVar variation 2422741 (VCV002422741.3).